The following is an entry in ClinVar:

ClinVar aggregate classification (germline): Conflicting classifications of pathogenicity. Review status: criteria provided, conflicting classifications (1 of 4 stars). 3 submissions from 3 submitters: Uncertain significance (1); Likely benign (2). Last evaluated 2025-12-04.

Conditions:
Microcephaly 5, primary, autosomal recessive (MCPH5). Also called: ASPM Primary Microcephaly. Identifiers: Orphanet 2512, MedGen C1837501, MONDO:0012106, OMIM 608716.

Allele frequency attached by ClinVar (database versions not stated): TOPMed 0.00023; gnomAD exomes 0.00026 and 0.00028; ExAC 0.00028; gnomAD 0.00030 and 0.00033; ESP Exome Variant Server 0.00038.
gnomAD v4.1: 439 of 1,613,540 alleles (0.027%); highest among the groups gnomAD compares: Non-Finnish European, 0.031%; no homozygotes.

Submissions (3):

Labcorp Genetics (formerly Invitae), Labcorp
Classification: Likely benign. Last evaluated: 2025-12-04. Review status: criteria provided, single submitter. Criteria: Invitae Variant Classification Sherloc (09022015). Collection method: clinical testing. Allele origin: germline.

Illumina Laboratory Services, Illumina
Classification: Uncertain significance for Microcephaly 5, primary, autosomal recessive. Last evaluated: 2018-01-13. Review status: criteria provided, single submitter. Criteria: ICSL Variant Classification Criteria 13 December 2019. Collection method: clinical testing. Allele origin: germline.

GeneDx
Classification: Likely benign. Last evaluated: 2017-01-05. Review status: criteria provided, single submitter. Criteria: GeneDx Variant Classification (06012015). Collection method: clinical testing. Allele origin: germline. Affected: yes.
Comment: This variant is considered likely benign or benign based on one or more of the following criteria: it is a conservative change, it occurs at a poorly conserved position in the protein, it is predicted to be benign by multiple in silico algorithms, and/or has population frequency not consistent with disease.

NM_018136.5(ASPM):c.1467A>G (p.Arg489=)

Gene: ASPM (assembly factor for spindle microtubules; minus strand). Cytogenetic location: 1q31.3.
Variant type: single nucleotide variant.
Coding change: c.1467A>G on transcript NM_018136.5 (MANE Select); coding-DNA position 1467, A replaced by G.
Protein change: p.Arg489=; no amino-acid change (arginine 489 retained).
Molecular consequence: synonymous variant.
Genome position (GRCh38, 1-based): chr1:197,142,785, T>C on the plus strand (A>G on the coding strand, the complement: ASPM is on the minus strand). VCF-style: chr1-197142785-T-C. GRCh37 (hg19) VCF-style: chr1-197111915-T-C.
Other names: c.1467A>G, p.Arg489= (NM_001206846.2).
Identifiers: ClinVar variation 294653 (VCV000294653.14), dbSNP rs146561469, ClinGen allele CA1310707.